The following is an entry in ClinVar:

NM_001972.4(ELANE):c.441C>G (p.Asn147Lys)

Gene: ELANE (elastase, neutrophil expressed; plus strand). Cytogenetic location: 19p13.3.
Variant type: single nucleotide variant.
Coding change: c.441C>G on transcript NM_001972.4 (MANE Select); coding-DNA position 441, C replaced by G.
Protein change: p.Asn147Lys; replaces asparagine 147 with lysine.
Molecular consequence: missense variant.
Genome position (GRCh38, 1-based): chr19:855,638, C>G. VCF-style: chr19-855638-C-G. GRCh37 (hg19) VCF-style: chr19-855638-C-G.
Other names: short protein forms N147K.
Identifiers: ClinVar variation 2552413 (VCV002552413.3), dbSNP rs146878885, ClinGen allele CA402918061.

ClinVar aggregate classification (germline): Uncertain significance (1 of 4 stars; one submission).

Conditions:
Inborn genetic diseases. Identifiers: MedGen C0950123, MeSH D030342.

Submission:

Ambry Genetics
Classification: Uncertain significance for Inborn genetic diseases. Last evaluated: 2025-08-08. Review status: criteria provided, single submitter. Criteria: Ambry Variant Classification Scheme 2023. Collection method: clinical testing. Allele origin: germline.
Comment: The p.N147K variant (also known as c.441C>G), located in coding exon 4 of the ELANE gene, results from a C to G substitution at nucleotide position 441. The asparagine at codon 147 is replaced by lysine, an amino acid with similar properties. This amino acid position is conserved. In addition, this alteration is predicted to be tolerated by in silico analysis. Based on the available evidence, the clinical significance of this variant remains unclear.